The following is an entry in ClinVar:

ClinVar aggregate classification (germline): Uncertain significance (1 of 4 stars; one submission).

Conditions:
Neuronal ceroid lipofuscinosis. Also called: Neuronal Ceroid Lipofuscinoses. Identifiers: Orphanet 216, Orphanet 79263, MedGen C0027877, MONDO:0016295. Disease mechanism: loss of function.

Allele frequency attached by ClinVar (database versions not stated): gnomAD exomes below 0.00001; ExAC 0.00001; gnomAD 0.00001.
gnomAD v4.1: 4 of 1,613,738 alleles (0.00025%); highest among the groups gnomAD compares: South Asian, 0.0033%; no homozygotes.

Submission:

Labcorp Genetics (formerly Invitae), Labcorp
Classification: Uncertain significance for Neuronal ceroid lipofuscinosis. Last evaluated: 2022-02-28. Review status: criteria provided, single submitter. Criteria: Invitae Variant Classification Sherloc (09022015). Collection method: clinical testing. Allele origin: germline.
Comment: This sequence change replaces methionine, which is neutral and non-polar, with valine, which is neutral and non-polar, at codon 36 of the CTSD protein (p.Met36Val). This variant is present in population databases (rs755461253, gnomAD 0.006%). This variant has not been reported in the literature in individuals affected with CTSD-related conditions. Algorithms developed to predict the effect of missense changes on protein structure and function output the following: SIFT: "Deleterious"; PolyPhen-2: "Benign"; Align-GVGD: "Class C0". The valine amino acid residue is found in multiple mammalian species, which suggests that this missense change does not adversely affect protein function. In summary, the available evidence is currently insufficient to determine the role of this variant in disease. Therefore, it has been classified as a Variant of Uncertain Significance.

NM_001909.5(CTSD):c.106A>G (p.Met36Val)

Genes: PRADX (PRC2 and DDX5 associated lncRNA; plus strand), CTSD (cathepsin D; minus strand). Cytogenetic location: 11p15.5.
Variant type: single nucleotide variant.
Coding change: c.106A>G on transcript NM_001909.5 (MANE Select); coding-DNA position 106, A replaced by G.
Protein change: p.Met36Val; replaces methionine 36 with valine.
Molecular consequence: missense variant.
Genome position (GRCh38, 1-based): chr11:1,761,431, T>C on the plus strand (A>G on the coding strand, the complement: CTSD is on the minus strand). VCF-style: chr11-1761431-T-C. GRCh37 (hg19) VCF-style: chr11-1782661-T-C.
Other names: short protein forms M36V.
Identifiers: ClinVar variation 2104888 (VCV002104888.1), dbSNP rs755461253, ClinGen allele CA5814293.